The following is an entry in ClinVar:

ClinVar aggregate classification (germline): Conflicting classifications of pathogenicity. Review status: criteria provided, conflicting classifications (1 of 4 stars). 3 submissions from 3 submitters: Likely pathogenic (1); Uncertain significance (1). 1 of the submissions does not count toward it. Last evaluated 2018-01-13.

Conditions:
KNL1-related disorder. Also called: KNL1-related condition.
Microcephaly 4, primary, autosomal recessive. Identifiers: Orphanet 2512, MedGen C1858516, MONDO:0011437, OMIM 604321.

Allele frequency attached by ClinVar (database versions not stated): TOPMed 0.00009; gnomAD 0.00014 and 0.00016; 1000 Genomes Project 30x 0.00016; 1000 Genomes Project 0.00020.
gnomAD v4.1: 227 of 1,613,256 alleles (0.014%); highest among the groups gnomAD compares: Middle Eastern, 0.12%; 3 homozygotes.

Submissions (3):

Illumina Laboratory Services, Illumina
Classification: Uncertain significance for Microcephaly 4, primary, autosomal recessive. Last evaluated: 2018-01-13. Review status: criteria provided, single submitter. Criteria: ICSL Variant Classification Criteria 13 December 2019. Collection method: clinical testing. Allele origin: germline.

Genomic Medicine Center of Excellence, King Faisal Specialist Hospital and Research Centre
Classification: Likely pathogenic. Review status: criteria provided, single submitter. Criteria: ACMG Guidelines, 2015. Collection method: research. Allele origin: germline. Affected: yes.

PreventionGenetics, part of Exact Sciences
Classification: Likely benign for KNL1-related condition. Last evaluated: 2022-07-14. Review status: no assertion criteria provided. Collection method: clinical testing. Allele origin: germline. Not counted in ClinVar's aggregate classification.
Comment: This variant is classified as likely benign based on ACMG/AMP sequence variant interpretation guidelines (Richards et al. 2015 PMID: 25741868, with internal and published modifications).

NM_144508.5(KNL1):c.3634G>A (p.Ala1212Thr)

Gene: KNL1 (kinetochore scaffold 1; plus strand). Cytogenetic location: 15q15.1.
Variant type: single nucleotide variant.
Coding change: c.3634G>A on transcript NM_144508.5 (MANE Select); coding-DNA position 3634, G replaced by A.
Protein change: p.Ala1212Thr; replaces alanine 1212 with threonine.
Molecular consequence: missense variant.
Genome position (GRCh38, 1-based): chr15:40,623,898, G>A. VCF-style: chr15-40623898-G-A. GRCh37 (hg19) VCF-style: chr15-40916096-G-A.
Other names: c.3712G>A (NM_170589.4); c.3712G>A, p.Ala1238Thr (NM_170589.5); short protein forms A1238T, A1212T.
Identifiers: ClinVar variation 191054 (VCV000191054.7), dbSNP rs533933463, ClinGen allele CA235920.
Genomic context (GRCh38, chr15:40,623,898, plus strand): 5'-GGAAAAGGAAAAAACTTGGGTGTTTCCTTTCCTAAGGATAATAGCTGTGTTCAAGAAATC[G>A]CTGAAAAACAAGCACTGGCTGTAGGAAACAAAATAGTTCTTCACACCGAGCAAAAGCAAC-3'
Protein context (NP_653091.3, residues 1202-1222): PKDNSCVQEI[Ala1212Thr]EKQALAVGNK